The following is an entry in ClinVar:

ClinVar aggregate classification (germline): Uncertain significance. Review status: criteria provided, multiple submitters, no conflicts (2 of 4 stars). 2 submissions from 2 submitters: Uncertain significance (2). Last evaluated 2024-09-12.

Conditions:
Hereditary cancer-predisposing syndrome. Also called: Neoplastic Syndromes, Hereditary; Tumor predisposition; Hereditary Cancer Syndrome; Hereditary neoplastic syndrome. Identifiers: Orphanet 140162, MedGen C0027672, MeSH D009386, MONDO:0015356.
Ataxia-telangiectasia syndrome (AT). Also called: Ataxia telangiectasia (A-T); ATAXIA-TELANGIECTASIA, COMPLEMENTATION GROUP A; ATAXIA-TELANGIECTASIA, FRESNO VARIANT; Ataxia-telangiectasia; Ataxia-telangiectasia, complementation group E; LOUIS-BAR SYNDROME. Identifiers: Orphanet 100, MedGen C0004135, MONDO:0008840, OMIM 208900.

Submissions (2):

Labcorp Genetics (formerly Invitae), Labcorp
Classification: Uncertain significance for Ataxia-telangiectasia syndrome. Last evaluated: 2024-09-12. Review status: criteria provided, single submitter. Criteria: Invitae Variant Classification Sherloc (09022015). Collection method: clinical testing. Allele origin: germline.
Comment: This sequence change replaces leucine, which is neutral and non-polar, with valine, which is neutral and non-polar, at codon 2261 of the ATM protein (p.Leu2261Val). This variant is not present in population databases (gnomAD no frequency). This variant has not been reported in the literature in individuals affected with ATM-related conditions. ClinVar contains an entry for this variant (Variation ID: 1009775). An algorithm developed to predict the effect of missense changes on protein structure and function (PolyPhen-2) suggests that this variant is likely to be tolerated. In summary, the available evidence is currently insufficient to determine the role of this variant in disease. Therefore, it has been classified as a Variant of Uncertain Significance.

Ambry Genetics
Classification: Uncertain significance for Hereditary cancer-predisposing syndrome. Last evaluated: 2023-08-02. Review status: criteria provided, single submitter. Criteria: Ambry Variant Classification Scheme 2023. Collection method: clinical testing. Allele origin: germline.
Comment: The p.L2261V variant (also known as c.6781C>G), located in coding exon 45 of the ATM gene, results from a C to G substitution at nucleotide position 6781. The leucine at codon 2261 is replaced by valine, an amino acid with highly similar properties. This amino acid position is conserved. In addition, this alteration is predicted to be tolerated by in silico analysis. Since supporting evidence is limited at this time, the clinical significance of this alteration remains unclear.

NM_000051.4(ATM):c.6781C>G (p.Leu2261Val)

Genes: ATM (ATM serine/threonine kinase; plus strand), C11orf65 (chromosome 11 open reading frame 65; minus strand). Cytogenetic location: 11q22.3.
Variant type: single nucleotide variant.
Coding change: c.6781C>G on transcript NM_000051.4 (MANE Select); coding-DNA position 6781, C replaced by G.
Protein change: p.Leu2261Val; replaces leucine 2261 with valine.
Molecular consequence: missense variant. On other transcripts: intron variant (2).
Genome position (GRCh38, 1-based): chr11:108,325,518, C>G. VCF-style: chr11-108325518-C-G. GRCh37 (hg19) VCF-style: chr11-108196245-C-G.
Other names: c.*38+9702G>C (NM_001351110.2); c.6781C>G, p.Leu2261Val (NM_001351834.2); c.641-16447G>C (NM_001330368.2); short protein forms L2261V.
Identifiers: ClinVar variation 1009775 (VCV001009775.9), dbSNP rs757243222, ClinGen allele CA382555464.